The following is an entry in ClinVar:

ClinVar aggregate classification (germline): Uncertain significance (1 of 4 stars; one submission).

Submission:

Ambry Genetics
Classification: Uncertain significance. Last evaluated: 2024-03-13. Review status: criteria provided, single submitter. Criteria: Ambry Variant Classification Scheme 2023. Collection method: clinical testing. Allele origin: germline.
Comment: The p.W703* variant (also known as c.2109G>A), located in coding exon 21 of the KIF1B gene, results from a G to A substitution at nucleotide position 2109. This changes the amino acid from a tryptophan to a stop codon within coding exon 21. This alteration is expected to result in loss of function by premature protein truncation or nonsense-mediated mRNA decay. The evidence for this gene-disease relationship is limited; therefore, the clinical significance of this alteration is unclear.

NM_001365951.3(KIF1B):c.2247G>A (p.Trp749Ter)

Gene: KIF1B (kinesin family member 1B; plus strand). Cytogenetic location: 1p36.22.
Variant type: single nucleotide variant.
Coding change: c.2247G>A on transcript NM_001365951.3 (MANE Select); coding-DNA position 2247, G replaced by A.
Protein change: p.Trp749Ter; replaces tryptophan 749 with a stop codon.
Molecular consequence: nonsense.
Genome position (GRCh38, 1-based): chr1:10,321,746, G>A. VCF-style: chr1-10321746-G-A. GRCh37 (hg19) VCF-style: chr1-10381804-G-A.
Other names: c.2247G>A, p.Trp749Ter (NM_001365952.1); c.2109G>A, p.Trp703Ter (NM_015074.3); short protein forms W703*, W749*.
Identifiers: ClinVar variation 3226385 (VCV003226385.1), dbSNP rs753808186, ClinGen allele CA338332732.
Genomic context (GRCh38, chr1:10,321,746, plus strand): 5'-ATATGCATCATTCATTCTTTCAGTTCCTTGGACACAGCATGAATTTGAGTTGGCCCAATG[G>A]GCCTTCCGGAAATGGAAGTCTCATCAGTTTACTTCATTACGGGACTTACTCTGGGGCAAT-3'